The following is an entry in ClinVar:

ClinVar aggregate classification (germline): Uncertain significance (1 of 4 stars; one submission).

gnomAD v4.1: 6 of 1,608,068 alleles (0.00037%); highest among the groups gnomAD compares: East Asian, 0.0045%; no homozygotes.

Submission:

Labcorp Genetics (formerly Invitae), Labcorp
Classification: Uncertain significance. Last evaluated: 2026-01-01. Review status: criteria provided, single submitter. Criteria: Invitae Variant Classification Sherloc (09022015). Collection method: clinical testing. Allele origin: germline.
Comment: This sequence change replaces threonine, which is neutral and polar, with methionine, which is neutral and non-polar, at codon 68 of the TNFRSF6B protein (p.Thr68Met). The frequency data for this variant in the population databases is considered unreliable, as metrics indicate poor data quality at this position in the gnomAD database. This variant has not been reported in the literature in individuals affected with TNFRSF6B-related conditions. An algorithm developed to predict the effect of missense changes on protein structure and function (PolyPhen-2) suggests that this variant is likely to be disruptive. In summary, the available evidence is currently insufficient to determine the role of this variant in disease. Therefore, it has been classified as a Variant of Uncertain Significance.

NM_003823.4(TNFRSF6B):c.203C>T (p.Thr68Met)

Genes: RTEL1-TNFRSF6B (RTEL1-TNFRSF6B readthrough (NMD candidate); plus strand), TNFRSF6B (TNF receptor superfamily member 6b; plus strand). Cytogenetic location: 20q13.33.
Variant type: single nucleotide variant.
Coding change: c.203C>T on transcript NM_003823.4 (MANE Select); coding-DNA position 203, C replaced by T.
Protein change: p.Thr68Met; replaces threonine 68 with methionine.
Molecular consequence: missense variant. On other transcripts: non-coding transcript variant (1).
Genome position (GRCh38, 1-based): chr20:63,696,970, C>T. VCF-style: chr20-63696970-C-T. GRCh37 (hg19) VCF-style: chr20-62328323-C-T.
Other names: short protein forms T68M.
Identifiers: ClinVar variation 4771898 (VCV004771898.1).